The following is an entry in ClinVar:

NM_013261.5(PPARGC1A):c.1794-4G>A

Gene: PPARGC1A (PPARG coactivator 1 alpha; minus strand). Cytogenetic location: 4p15.2.
Variant type: single nucleotide variant.
Coding change: c.1794-4G>A on transcript NM_013261.5 (MANE Select); 4 bases into the intron before coding-DNA position 1794, G replaced by A.
Molecular consequence: intron variant.
Genome position (GRCh38, 1-based): chr4:23,813,129, C>T on the plus strand (G>A on the coding strand, the complement: PPARGC1A is on the minus strand). VCF-style: chr4-23813129-C-T. GRCh37 (hg19) VCF-style: chr4-23814752-C-T.
Other names: c.1809-4G>A (NM_001354827.2, NM_001354825.2, NM_001330751.2); c.1758-4G>A (NM_001330752.2); c.1413-4G>A (NM_001354826.2, NM_001330753.2).
Identifiers: ClinVar variation 3352124 (VCV003352124.1).

ClinVar aggregate classification (germline): Likely benign (0 of 4 stars; one submission).

Conditions:
PPARGC1A-related disorder. Also called: PPARGC1A-related condition.

gnomAD v4.1: 41 of 1,613,546 alleles (0.0025%); highest among the groups gnomAD compares: East Asian, 0.0045%; no homozygotes.

Submission:

PreventionGenetics, part of Exact Sciences
Classification: Likely benign for PPARGC1A-related condition. Last evaluated: 2019-06-11. Review status: no assertion criteria provided. Collection method: clinical testing. Allele origin: germline.
Comment: This variant is classified as likely benign based on ACMG/AMP sequence variant interpretation guidelines (Richards et al. 2015 PMID: 25741868, with internal and published modifications).